The following is an entry in ClinVar:

ClinVar aggregate classification (germline): Uncertain significance (1 of 4 stars; one submission).

Conditions:
Hereditary spastic paraplegia 28. Also called: Spastic paraplegia 28, autosomal recessive. Identifiers: Orphanet 101008, MedGen C1836295, MONDO:0012256, OMIM 609340.

Submission:

Labcorp Genetics (formerly Invitae), Labcorp
Classification: Uncertain significance for Hereditary spastic paraplegia 28. Last evaluated: 2022-05-21. Review status: criteria provided, single submitter. Criteria: Invitae Variant Classification Sherloc (09022015). Collection method: clinical testing. Allele origin: germline.
Comment: This variant is not present in population databases (gnomAD no frequency). In summary, the available evidence is currently insufficient to determine the role of this variant in disease. Therefore, it has been classified as a Variant of Uncertain Significance. Algorithms developed to predict the effect of missense changes on protein structure and function are either unavailable or do not agree on the potential impact of this missense change (SIFT: "Deleterious"; PolyPhen-2: "Probably Damaging"; Align-GVGD: "Class C0"). This variant has not been reported in the literature in individuals affected with DDHD1-related conditions. This sequence change replaces valine, which is neutral and non-polar, with phenylalanine, which is neutral and non-polar, at codon 475 of the DDHD1 protein (p.Val475Phe).

NM_001160148.2(DDHD1):c.1402G>T (p.Val468Phe)

Gene: DDHD1 (DDHD domain containing 1; minus strand). Cytogenetic location: 14q22.1.
Variant type: single nucleotide variant.
Coding change: c.1402G>T on transcript NM_001160148.2 (MANE Select); coding-DNA position 1402, G replaced by T.
Protein change: p.Val468Phe; replaces valine 468 with phenylalanine.
Molecular consequence: missense variant.
Genome position (GRCh38, 1-based): chr14:53,072,698, C>A on the plus strand (G>T on the coding strand, the complement: DDHD1 is on the minus strand). VCF-style: chr14-53072698-C-A. GRCh37 (hg19) VCF-style: chr14-53539416-C-A.
Other names: c.1423G>T, p.Val475Phe (NM_001160147.2); c.1402G>T, p.Val468Phe (NM_030637.3); short protein forms V468F, V475F.
Identifiers: ClinVar variation 1997581 (VCV001997581.4), dbSNP rs1398045820, ClinGen allele CA389764322.